The following is an entry in ClinVar:

ClinVar aggregate classification (germline): Uncertain significance. Review status: criteria provided, multiple submitters, no conflicts (2 of 4 stars). 3 submissions from 3 submitters: Uncertain significance (3). Last evaluated 2024-10-22.

Conditions:
Imerslund-Grasbeck syndrome. Also called: ENTEROCYTE COBALAMIN MALABSORPTION; ENTEROCYTE INTRINSIC FACTOR RECEPTOR, DEFECT OF; Megaloblastic anemia due to inborn errors of metabolism; PERNICIOUS ANEMIA, JUVENILE, DUE TO SELECTIVE INTESTINAL MALABSORPTION OF VITAMIN B12, WITH PROTEINURIA; Imerslund-Gräsbeck syndrome. Identifiers: Orphanet 35858, MedGen C4551825, MONDO:0009853.
Imerslund-Grasbeck syndrome type 2. Also called: MEGALOBLASTIC ANEMIA, NORWEGIAN TYPE; Imerslund-Gräsbeck syndrome 2; Megaloblastic anemia 1, Norwegian type. Identifiers: MedGen C4016948, MONDO:0100157, OMIM 618882.
Inborn genetic diseases. Identifiers: MedGen C0950123, MeSH D030342.

Allele frequency attached by ClinVar (database versions not stated): 1000 Genomes Project 30x 0.00016.

Submissions (3):

Labcorp Genetics (formerly Invitae), Labcorp
Classification: Uncertain significance for Imerslund-Grasbeck syndrome. Last evaluated: 2024-10-22. Review status: criteria provided, single submitter. Criteria: Invitae Variant Classification Sherloc (09022015). Collection method: clinical testing. Allele origin: germline.
Comment: This sequence change replaces histidine, which is basic and polar, with glutamine, which is neutral and polar, at codon 352 of the AMN protein (p.His352Gln). This variant is present in population databases (rs773203683, gnomAD 0.05%). This variant has not been reported in the literature in individuals affected with AMN-related conditions. ClinVar contains an entry for this variant (Variation ID: 1374284). Invitae Evidence Modeling of protein sequence and biophysical properties (such as structural, functional, and spatial information, amino acid conservation, physicochemical variation, residue mobility, and thermodynamic stability) indicates that this missense variant is not expected to disrupt AMN protein function with a negative predictive value of 80%. In summary, the available evidence is currently insufficient to determine the role of this variant in disease. Therefore, it has been classified as a Variant of Uncertain Significance.

Ambry Genetics
Classification: Uncertain significance for Inborn genetic diseases. Last evaluated: 2024-05-28. Review status: criteria provided, single submitter. Criteria: Ambry Variant Classification Scheme 2023. Collection method: clinical testing. Allele origin: germline.

Fulgent Genetics
Classification: Uncertain significance for Imerslund-Grasbeck syndrome type 2. Last evaluated: 2022-05-02. Review status: criteria provided, single submitter. Criteria: ACMG Guidelines, 2015. Collection method: clinical testing. Allele origin: unknown.

NM_030943.4(AMN):c.1056C>A (p.His352Gln)

Genes: AMN (amnion associated transmembrane protein; plus strand), LOC130056554 (ATAC-STARR-seq lymphoblastoid silent region 6136; plus strand). Cytogenetic location: 14q32.32.
Variant type: single nucleotide variant.
Coding change: c.1056C>A on transcript NM_030943.4 (MANE Select); coding-DNA position 1056, C replaced by A.
Protein change: p.His352Gln; replaces histidine 352 with glutamine.
Molecular consequence: missense variant.
Genome position (GRCh38, 1-based): chr14:102,930,214, C>A. VCF-style: chr14-102930214-C-A. GRCh37 (hg19) VCF-style: chr14-103396551-C-A.
Other names: c.1056C>A (NM_030943.3); short protein forms H352Q.
Identifiers: ClinVar variation 1374284 (VCV001374284.8), dbSNP rs773203683, ClinGen allele CA7360057.